The following is an entry in ClinVar:

ClinVar aggregate classification (germline): Likely pathogenic (1 of 4 stars; one submission).

Submission:

Dasa
Classification: Likely pathogenic. Last evaluated: 2024-11-14. Review status: criteria provided, single submitter. Criteria: DASA Assertion Criteria. Collection method: clinical testing. Allele origin: germline.
Comment: NM_001042681.2(RERE):c.3050del (p.Pro1017Leufs*64) is a frameshift variant in RERE predicted to alter the reading frame and introduce a premature termination codon and is predicted to result in an absent or altered protein product. Loss of function is an established disease mechanism for RERE-associated disorders. Also, this variant is rare in population databases. Based on the currently available evidence, this variant is classified as likely pathogenic.

NM_001042681.2(RERE):c.3050del (p.Pro1017fs)

Gene: RERE (arginine-glutamic acid dipeptide repeats; minus strand). Cytogenetic location: 1p36.23.
Variant type: Deletion.
Coding change: c.3050del on transcript NM_001042681.2 (MANE Select); coding-DNA position 3050, one base deleted (C; older notation c.3050delC).
Protein change: p.Pro1017fs; shifts the reading frame from proline 1017.
Molecular consequence: frameshift variant.
Genome position (GRCh38, 1-based): chr1:8,360,457, G deleted on the plus strand (C on the coding strand, the reverse complement: RERE is on the minus strand); the first of 5 consecutive G bases (chr1:8,360,457-8,360,461); deleting any one gives the same sequence. VCF-style (leftmost placement, unchanged base first): chr1-8360456-AG-A. GRCh37 (hg19) VCF-style: chr1-8420516-AG-A.
Other names: c.1388del, p.Pro463fs (NM_001042682.2); c.3050del, p.Pro1017fs (NM_012102.4); short protein forms P1017fs, P463fs.
Identifiers: ClinVar variation 4884286 (VCV004884286.2).